The following is an entry in ClinVar:

NM_000304.4(PMP22):c.70_71del (p.Ile24fs)

Gene: PMP22 (peripheral myelin protein 22; minus strand). Cytogenetic location: 17p12.
Variant type: Deletion.
Coding change: c.70_71del on transcript NM_000304.4 (MANE Select); coding-DNA positions 70 to 71, 2 bases deleted (AT; older notation c.70_71delAT).
Protein change: p.Ile24fs; shifts the reading frame from isoleucine 24.
Molecular consequence: frameshift variant.
Genome position (GRCh38, 1-based): chr17:15,260,657-15,260,658, AT deleted on the plus strand (AT on the coding strand, the reverse complement: PMP22 is on the minus strand). VCF-style (leftmost placement, unchanged base first): chr17-15260656-GAT-G. GRCh37 (hg19) VCF-style: chr17-15163973-GAT-G.
Other names: c.70_71del, p.Ile24fs (NM_001281455.2, NM_001281456.2, NM_001330143.2 and 2 more transcripts); short protein forms I24fs.
Identifiers: ClinVar variation 4721532 (VCV004721532.1).
Genomic context (GRCh38, chr17:15,260,656, plus strand): 5'-AACCCAGATGGGGAAGGGCGGGCCGCGCAGGGAGCCTCCCCGCCAGGCACTCACGCTGAC[GAT>G]CGTGGAGACGAACAGCAGCACCAGCACCGCGACGTGGAGGACGATGATACTCAGCAACAG-3'

ClinVar aggregate classification (germline): Pathogenic (1 of 4 stars; one submission).

Conditions:
Charcot-Marie-Tooth disease, type I (CMT1). Also called: Charcot-Marie-Tooth, Type 1; Charcot-Marie-Tooth disease type 1. Identifiers: Orphanet 65753, MedGen C0751036, MONDO:0019011.

Submission:

Labcorp Genetics (formerly Invitae), Labcorp
Classification: Pathogenic for Charcot-Marie-Tooth disease, type I. Last evaluated: 2025-06-16. Review status: criteria provided, single submitter. Criteria: Invitae Variant Classification Sherloc (09022015). Collection method: clinical testing. Allele origin: germline.
Comment: This sequence change creates a premature translational stop signal (p.Ile24Argfs*13) in the PMP22 gene. It is expected to result in an absent or disrupted protein product. Loss-of-function variants in PMP22 are known to be pathogenic (PMID: 23224996). This variant is not present in population databases (gnomAD no frequency). This variant has not been reported in the literature in individuals affected with PMP22-related conditions. For these reasons, this variant has been classified as Pathogenic.

Literature cited by the submitters: PubMed 23224996.